The following is an entry in ClinVar:

ClinVar aggregate classification (germline): Benign/Likely benign. Review status: criteria provided, multiple submitters, no conflicts (2 of 4 stars). 5 submissions from 5 submitters: Benign (1); Likely benign (4). Last evaluated 2025-07-15.

Conditions:
Hereditary cancer-predisposing syndrome. Also called: Neoplastic Syndromes, Hereditary; Tumor predisposition; Hereditary Cancer Syndrome; Hereditary neoplastic syndrome. Identifiers: Orphanet 140162, MedGen C0027672, MeSH D009386, MONDO:0015356.
Familial cancer of breast. Also called: BREAST CANCER, FAMILIAL; hereditary breast carcinoma; Hereditary breast cancer. Identifiers: Orphanet 227535, MedGen C0346153, MONDO:0016419, OMIM 114480. Disease mechanism: loss of function.

Allele frequency attached by ClinVar (database versions not stated): gnomAD 0.00001; gnomAD exomes 0.00001; TOPMed 0.00001.
gnomAD v4.1: 7 of 1,614,008 alleles (0.00043%); highest among the groups gnomAD compares: Non-Finnish European, 0.00059%; no homozygotes.

Submissions (5):

Labcorp Genetics (formerly Invitae), Labcorp
Classification: Likely benign for Familial cancer of breast. Last evaluated: 2025-07-15. Review status: criteria provided, single submitter. Criteria: Invitae Variant Classification Sherloc (09022015). Collection method: clinical testing. Allele origin: germline.

Myriad Genetics, Inc.
Classification: Benign for Familial cancer of breast. Last evaluated: 2024-07-23. Review status: criteria provided, single submitter. Criteria: Myriad Autosomal Dominant, Autosomal Recessive and X-Linked Classification Criteria (2023). Collection method: clinical testing. Allele origin: unknown.
Comment: This variant is considered benign. This variant is a silent/synonymous amino acid change and it is not expected to impact splicing.

Color Diagnostics, LLC DBA Color Health
Classification: Likely benign for Hereditary cancer-predisposing syndrome. Last evaluated: 2017-02-21. Review status: criteria provided, single submitter. Criteria: ACMG Guidelines, 2015. Collection method: clinical testing. Allele origin: germline.

GeneDx
Classification: Likely benign. Last evaluated: 2016-07-27. Review status: criteria provided, single submitter. Criteria: GeneDx Variant Classification (06012015). Collection method: clinical testing. Allele origin: germline. Affected: yes.
Comment: This variant is considered likely benign or benign based on one or more of the following criteria: it is a conservative change, it occurs at a poorly conserved position in the protein, it is predicted to be benign by multiple in silico algorithms, and/or has population frequency not consistent with disease.

Ambry Genetics
Classification: Likely benign for Hereditary cancer-predisposing syndrome. Last evaluated: 2015-07-26. Review status: criteria provided, single submitter. Criteria: Ambry Variant Classification Scheme 2023. Collection method: clinical testing. Allele origin: germline.

NM_000465.4(BARD1):c.975C>T (p.His325=)

Gene: BARD1 (BRCA1 associated RING domain 1; minus strand). Cytogenetic location: 2q35.
Variant type: single nucleotide variant.
Coding change: c.975C>T on transcript NM_000465.4 (MANE Select); coding-DNA position 975, C replaced by T.
Protein change: p.His325=; no amino-acid change (histidine 325 retained).
Molecular consequence: synonymous variant. On other transcripts: non-coding transcript variant (2), intron variant (3).
Genome position (GRCh38, 1-based): chr2:214,780,899, G>A on the plus strand (C>T on the coding strand, the complement: BARD1 is on the minus strand). VCF-style: chr2-214780899-G-A. GRCh37 (hg19) VCF-style: chr2-215645623-G-A.
Other names: c.918C>T, p.His306= (NM_001282543.2); c.159-28344C>T (NM_001282548.2); c.215+16162C>T (NM_001282545.2); c.364+11398C>T (NM_001282549.2).
Identifiers: ClinVar variation 233109 (VCV000233109.20), dbSNP rs876660202, ClinGen allele CA10577827.